The following is an entry in ClinVar:

ClinVar aggregate classification (germline): Uncertain significance (1 of 4 stars; one submission).

gnomAD v4.1: 1 of 152,336 alleles (0.00066%); highest among the groups gnomAD compares: South Asian, 0.021%; no homozygotes.

Submission:

Institute for Human Genetics, University Hospital Essen
Classification: Uncertain significance. Last evaluated: 2025-11-27. Review status: criteria provided, single submitter. Criteria: Submitter's publication. Collection method: clinical testing. Allele origin: de novo. Inheritance: Autosomal unknown. Affected: yes. Observed: 1 variant allele, 1 heterozygote.
Comment: PS2_supp, PS4_supp, PM1_supp, PM2_supp (criteria rationale detailed in Leitão et al. Nature Genetics 2026)

NR_199791.1(RNU2-2):n.62T>G

Genes: RNU2-2 (RNA, U2 small nuclear 2; minus strand), WDR74 (WD repeat domain 74; minus strand). Cytogenetic location: 11q12.3.
Variant type: single nucleotide variant.
Molecular consequence: non-coding transcript variant (on NR_199791.1). On other transcripts: 5 prime UTR variant (1).
Genome position: GRCh38 VCF-style: chr11-62841748-A-C. GRCh37 (hg19) VCF-style: chr11-62609220-A-C.
Other names: c.-477T>G (NM_001369451.1).
Identifiers: ClinVar variation 4540486 (VCV004540486.1).
Genomic context (GRCh38, chr11:62,841,748, plus strand): 5'-ATTCCATCTCCTATTTCCAAAAATCCATTTAATATATTGTCCTCGGATAGAGGACGTATC[A>C]GATATTAAACTGATAAGAACAGATACTACACTTGATCTTAGCCAAAAGGCCGAGAAGCGA-3'